The following is an entry in ClinVar:

NM_080680.3(COL11A2):c.3575G>A (p.Gly1192Asp)

Gene: COL11A2 (collagen type XI alpha 2 chain; minus strand). Cytogenetic location: 6p21.32.
Variant type: single nucleotide variant.
Coding change: c.3575G>A on transcript NM_080680.3 (MANE Select); coding-DNA position 3575, G replaced by A.
Protein change: p.Gly1192Asp; replaces glycine 1192 with aspartic acid.
Molecular consequence: missense variant.
Genome position (GRCh38, 1-based): chr6:33,170,333, C>T on the plus strand (G>A on the coding strand, the complement: COL11A2 is on the minus strand). VCF-style: chr6-33170333-C-T. GRCh37 (hg19) VCF-style: chr6-33138110-C-T.
Other names: c.3317G>A, p.Gly1106Asp (NM_080681.3); c.3395G>A, p.Gly1132Asp (NM_001424108.1); c.2729G>A, p.Gly910Asp (NM_001424109.1); c.2549G>A, p.Gly850Asp (NM_001424110.1, NM_001424111.1); c.1529G>A, p.Gly510Asp (NM_001424112.1); c.3254G>A, p.Gly1085Asp (NM_080679.3); short protein forms G1192D, G1085D, G510D, G910D, G1106D, G1132D, G850D.
Identifiers: ClinVar variation 2818283 (VCV002818283.5), dbSNP rs916243655, ClinGen allele CA137064718.

ClinVar aggregate classification (germline): Uncertain significance. Review status: criteria provided, multiple submitters, no conflicts (2 of 4 stars). 2 submissions from 2 submitters: Uncertain significance (2). Last evaluated 2025-01-08.

Allele frequency attached by ClinVar (database versions not stated): gnomAD exomes below 0.00001; TOPMed 0.00002.
gnomAD v4.1: 4 of 1,613,534 alleles (0.00025%); highest among the groups gnomAD compares: South Asian, 0.0011%; no homozygotes.

Submissions (2):

Women's Health and Genetics/Laboratory Corporation of America, LabCorp
Classification: Uncertain significance. Last evaluated: 2025-01-08. Review status: criteria provided, single submitter. Criteria: LabCorp Variant Classification Summary - May 2015. Collection method: clinical testing. Allele origin: germline.
Comment: Variant summary: COL11A2 c.3575G>A (p.Gly1192Asp) results in a non-conservative amino acid change in the encoded protein sequence. Five of five in-silico tools predict a damaging effect of the variant on protein function. The variant was absent in 248770 control chromosomes. The available data on variant occurrences in the general population are insufficient to allow any conclusion about variant significance. To our knowledge, no occurrence of c.3575G>A in individuals affected with COL11A2-Related Disorders and no experimental evidence demonstrating its impact on protein function have been reported. ClinVar contains an entry for this variant (Variation ID: 2818283). Based on the evidence outlined above, the variant was classified as uncertain significance.

Labcorp Genetics (formerly Invitae), Labcorp
Classification: Uncertain significance. Last evaluated: 2022-12-03. Review status: criteria provided, single submitter. Criteria: Invitae Variant Classification Sherloc (09022015). Collection method: clinical testing. Allele origin: germline.
Comment: This sequence change replaces glycine, which is neutral and non-polar, with aspartic acid, which is acidic and polar, at codon 1192 of the COL11A2 protein (p.Gly1192Asp). This variant is not present in population databases (gnomAD no frequency). This variant has not been reported in the literature in individuals affected with COL11A2-related conditions. Advanced modeling of protein sequence and biophysical properties (such as structural, functional, and spatial information, amino acid conservation, physicochemical variation, residue mobility, and thermodynamic stability) performed at Invitae indicates that this missense variant is expected to disrupt COL11A2 protein function. In summary, the available evidence is currently insufficient to determine the role of this variant in disease. Therefore, it has been classified as a Variant of Uncertain Significance.